The following is an entry in ClinVar:

NM_016138.5(COQ7):c.118A>G (p.Thr40Ala)

Gene: COQ7 (coenzyme Q7, hydroxylase; plus strand). Cytogenetic location: 16p12.3.
Variant type: single nucleotide variant.
Coding change: c.118A>G on transcript NM_016138.5 (MANE Select); coding-DNA position 118, A replaced by G.
Protein change: p.Thr40Ala; replaces threonine 40 with alanine.
Molecular consequence: missense variant. On other transcripts: non-coding transcript variant (3).
Genome position (GRCh38, 1-based): chr16:19,071,972, A>G. VCF-style: chr16-19071972-A-G. GRCh37 (hg19) VCF-style: chr16-19083294-A-G.
Other names: c.4A>G, p.Thr2Ala (NM_001190983.2, NM_001370492.1, NM_001370493.1 and 2 more transcripts); c.76A>G, p.Thr26Ala (NM_001370489.1, NM_001370491.1); c.118A>G, p.Thr40Ala (NM_001370490.1); c.118A>G (NM_016138.4); short protein forms T2A, T40A, T26A.
Identifiers: ClinVar variation 1974005 (VCV001974005.3), dbSNP rs747147377, ClinGen allele CA7932886.
Genomic context (GRCh38, chr16:19,071,972, plus strand): 5'-AACACTTGCATTTCAGCTTATGGAAGAAGAACCAGTGTCAGATTTCGCAGTTCAGGAATG[A>G]CTTTAGACAATATCAGTCGGGCAGCTGTGGATCGAATAATCCGGGTGGATCATGCAGGCG-3'
Protein context (NP_057222.2, residues 30-50): TSVRFRSSGM[Thr40Ala]LDNISRAAVD

ClinVar aggregate classification (germline): Uncertain significance. Review status: criteria provided, multiple submitters, no conflicts (2 of 4 stars). 2 submissions from 2 submitters: Uncertain significance (2). Last evaluated 2025-12-22.

Allele frequency attached by ClinVar (database versions not stated): gnomAD exomes below 0.00001; ExAC 0.00002; TOPMed 0.00002.
gnomAD v4.1: 6 of 1,614,234 alleles (0.00037%); highest among the groups gnomAD compares: Middle Eastern, 0.016%; no homozygotes.

Submissions (2):

Ambry Genetics
Classification: Uncertain significance. Last evaluated: 2025-12-22. Review status: criteria provided, single submitter. Criteria: Ambry Variant Classification Scheme 2023. Collection method: clinical testing. Allele origin: germline.

Labcorp Genetics (formerly Invitae), Labcorp
Classification: Uncertain significance. Last evaluated: 2022-08-31. Review status: criteria provided, single submitter. Criteria: Invitae Variant Classification Sherloc (09022015). Collection method: clinical testing. Allele origin: germline.
Comment: This sequence change replaces threonine, which is neutral and polar, with alanine, which is neutral and non-polar, at codon 40 of the COQ7 protein (p.Thr40Ala). This variant is present in population databases (rs747147377, gnomAD 0.004%). This variant has not been reported in the literature in individuals affected with COQ7-related conditions. Algorithms developed to predict the effect of missense changes on protein structure and function (SIFT, PolyPhen-2, Align-GVGD) all suggest that this variant is likely to be tolerated. In summary, the available evidence is currently insufficient to determine the role of this variant in disease. Therefore, it has been classified as a Variant of Uncertain Significance.